The following is an entry in ClinVar:

NM_139027.6(ADAMTS13):c.833G>C (p.Arg278Pro)

Gene: ADAMTS13 (ADAM metallopeptidase with thrombospondin type 1 motif 13; plus strand). Cytogenetic location: 9q34.2.
Variant type: single nucleotide variant.
Coding change: c.833G>C on transcript NM_139027.6 (MANE Select); coding-DNA position 833, G replaced by C.
Protein change: p.Arg278Pro; replaces arginine 278 with proline.
Molecular consequence: missense variant. On other transcripts: intron variant (1).
Genome position (GRCh38, 1-based): chr9:133,429,947, G>C. VCF-style: chr9-133429947-G-C. GRCh37 (hg19) VCF-style: chr9-136295067-G-C.
Other names: p.Arg278Pro; c.833G>C, p.Arg278Pro (NM_139025.5); c.825-85G>C (NM_139026.6); short protein forms R278P.
Identifiers: ClinVar variation 1911408 (VCV001911408.7), dbSNP rs1048430091, ClinGen allele CA200924721.

ClinVar aggregate classification (germline): Uncertain significance. Review status: criteria provided, multiple submitters, no conflicts (2 of 4 stars). 3 submissions from 3 submitters: Uncertain significance (3). Last evaluated 2025-08-21.

Conditions:
Upshaw-Schulman syndrome (TTP). Also called: Congenital thrombotic thrombocytopenic purpura; THROMBOTIC THROMBOCYTOPENIC PURPURA, HEREDITARY. Identifiers: Orphanet 93583, MedGen C1268935, MONDO:0010122, OMIM 274150.

Allele frequency attached by ClinVar (database versions not stated): gnomAD 0.00005; TOPMed 0.00005.
gnomAD v4.1: 14 of 1,535,194 alleles (0.00091%); highest among the groups gnomAD compares: African/African-American, 0.012%; no homozygotes.

Submissions (3):

Labcorp Genetics (formerly Invitae), Labcorp
Classification: Uncertain significance. Last evaluated: 2025-08-21. Review status: criteria provided, single submitter. Criteria: Invitae Variant Classification Sherloc (09022015). Collection method: clinical testing. Allele origin: germline.
Comment: This sequence change replaces arginine, which is basic and polar, with proline, which is neutral and non-polar, at codon 278 of the ADAMTS13 protein (p.Arg278Pro). This variant is present in population databases (no rsID available, gnomAD 0.02%). This variant has not been reported in the literature in individuals affected with ADAMTS13-related conditions. ClinVar contains an entry for this variant (Variation ID: 1911408). Invitae Evidence Modeling of protein sequence and biophysical properties (such as structural, functional, and spatial information, amino acid conservation, physicochemical variation, residue mobility, and thermodynamic stability) indicates that this missense variant is not expected to disrupt ADAMTS13 protein function with a negative predictive value of 80%. In summary, the available evidence is currently insufficient to determine the role of this variant in disease. Therefore, it has been classified as a Variant of Uncertain Significance.

Mayo Clinic Laboratories, Mayo Clinic
Classification: Uncertain significance. Last evaluated: 2024-06-06. Review status: criteria provided, single submitter. Criteria: ACMG Guidelines, 2015. Collection method: clinical testing. Allele origin: germline. Observed: 1 variant allele.
Comment: BP4

Fulgent Genetics
Classification: Uncertain significance for Upshaw-Schulman syndrome. Last evaluated: 2024-04-18. Review status: criteria provided, single submitter. Criteria: ACMG Guidelines, 2015. Collection method: clinical testing. Allele origin: germline.